The following is an entry in ClinVar:

NM_001377.3(DYNC2H1):c.4699C>G (p.Leu1567Val)

Gene: DYNC2H1 (dynein cytoplasmic 2 heavy chain 1; plus strand). Cytogenetic location: 11q22.3.
Variant type: single nucleotide variant.
Coding change: c.4699C>G on transcript NM_001377.3 (MANE Select); coding-DNA position 4699, C replaced by G.
Protein change: p.Leu1567Val; replaces leucine 1567 with valine.
Molecular consequence: missense variant.
Genome position (GRCh38, 1-based): chr11:103,165,985, C>G. VCF-style: chr11-103165985-C-G. GRCh37 (hg19) VCF-style: chr11-103036714-C-G.
Other names: c.4699C>G, p.Leu1567Val (NM_001080463.2); short protein forms L1567V.
Identifiers: ClinVar variation 446551 (VCV000446551.47), dbSNP rs901629870, ClinGen allele CA227396060.

ClinVar aggregate classification (germline): Conflicting classifications of pathogenicity. Review status: criteria provided, conflicting classifications (1 of 4 stars). 6 submissions from 6 submitters: Pathogenic (2); Likely pathogenic (1); Uncertain significance (1). 2 of the submissions do not count toward it. Last evaluated 2026-01-12.

Conditions:
Jeune thoracic dystrophy. Also called: Jeune syndrome; Infantile thoracic dystrophy; Thoracic pelvic phalangeal dystrophy; Jeune's syndrome; Chondroectodermal dysplasia-like syndrome; Short-rib thoracic dysplasia. Identifiers: Orphanet 474, MedGen C0265275, MONDO:0018770.
Asphyxiating thoracic dystrophy 3. Also called: POLYDACTYLY WITH NEONATAL CHONDRODYSTROPHY, TYPE I; SHORT-RIB THORACIC DYSPLASIA 3/6 WITH POLYDACTYLY, DIGENIC; SHORT-RIB THORACIC DYSPLASIA 3 WITH OR WITHOUT POLYDACTYLY; Short rib polydactyly syndrome 2B; Saldino-Noonan Syndrome. Identifiers: Orphanet 474, Orphanet 93269, Orphanet 93270, Orphanet 93271, MedGen C0036069, MONDO:0013127, OMIM 613091.

Allele frequency attached by ClinVar (database versions not stated): gnomAD exomes below 0.00001; TOPMed 0.00001.
gnomAD v4.1: 3 of 1,531,308 alleles (0.0002%); highest among the groups gnomAD compares: Non-Finnish European, 0.00026%; no homozygotes.

Submissions (6):

Labcorp Genetics (formerly Invitae), Labcorp
Classification: Pathogenic for Jeune thoracic dystrophy. Last evaluated: 2026-01-12. Review status: criteria provided, single submitter. Criteria: Invitae Variant Classification Sherloc (09022015). Collection method: clinical testing. Allele origin: germline.
Comment: This sequence change replaces leucine, which is neutral and non-polar, with valine, which is neutral and non-polar, at codon 1567 of the DYNC2H1 protein (p.Leu1567Val). This variant is not present in population databases (gnomAD no frequency). This missense change has been observed in individual(s) with short-rib thoracic dysplasia (PMID: 29068549, 34958143, 36599940). In at least one individual the data is consistent with being in trans (on the opposite chromosome) from a pathogenic variant. ClinVar contains an entry for this variant (Variation ID: 446551). Invitae Evidence Modeling of protein sequence and biophysical properties (such as structural, functional, and spatial information, amino acid conservation, physicochemical variation, residue mobility, and thermodynamic stability) indicates that this missense variant is not expected to disrupt DYNC2H1 protein function with a negative predictive value of 95%. For these reasons, this variant has been classified as Pathogenic.

Women's Health and Genetics/Laboratory Corporation of America, LabCorp
Classification: Likely pathogenic for Asphyxiating thoracic dystrophy 3. Last evaluated: 2025-10-24. Review status: criteria provided, single submitter. Criteria: LabCorp Variant Classification Summary - May 2015. Collection method: clinical testing. Allele origin: germline.
Comment: Variant summary: DYNC2H1 c.4699C>G (p.Leu1567Val) results in a conservative amino acid change in the encoded protein sequence. Algorithms developed to predict the effect of missense changes on protein structure and function are either unavailable or do not agree on the potential impact of this missense change. The frequency data for this variant in gnomAD is considered unreliable, as metrics indicate poor data quality at this position. c.4699C>G has been observed in individual(s) affected with Short-rib thoracic dysplasia (example: Zhaang_2018, Gabriel_2021, Piceci-Sparascio_2023). These data indicate that the variant may be associated with disease. To our knowledge, no experimental evidence demonstrating an impact on protein function has been reported. The following publications have been ascertained in the context of this evaluation (PMID: 29068549, 34958143, 36599940). ClinVar contains an entry for this variant (Variation ID: 446551). Based on the evidence outlined above, the variant was classified as likely pathogenic.

Blueprint Genetics
Classification: Uncertain significance. Last evaluated: 2022-05-06. Review status: criteria provided, single submitter. Criteria: ACMG Guidelines, 2015. Collection method: clinical testing. Allele origin: germline.

CeGaT Center for Human Genetics Tuebingen
Classification: Pathogenic. Last evaluated: 2019-12-01. Review status: criteria provided, single submitter. Criteria: CeGaT Center For Human Genetics Tuebingen Variant Classification Criteria Version 2. Collection method: clinical testing. Allele origin: germline. Affected: yes. Observed: 4 variant alleles.

Dan Cohn Lab, University Of California Los Angeles
Classification: Pathogenic for Asphyxiating thoracic dystrophy 3. Last evaluated: 2017-06-01. Review status: no assertion criteria provided. Collection method: research. Allele origin: unknown. Affected: yes. Not counted in ClinVar's aggregate classification.

University of Washington Center for Mendelian Genomics, University of Washington
Classification: Likely pathogenic for Asphyxiating thoracic dystrophy 3. Review status: no assertion criteria provided. Collection method: research. Allele origin: inherited. Affected: yes. Not counted in ClinVar's aggregate classification.

Literature cited by the submitters: PubMed 29068549 (cited by 4 submitters); PubMed 34958143 (cited by Labcorp Genetics (formerly Invitae), Labcorp and Women's Health and Genetics/Laboratory Corporation of America, LabCorp); PubMed 36599940 (cited by Labcorp Genetics (formerly Invitae), Labcorp and Women's Health and Genetics/Laboratory Corporation of America, LabCorp).